The following is an entry in ClinVar:

NM_147686.4(TRAF3IP2):c.377C>A (p.Pro126His)

Genes: TRAF3IP2 (TRAF3 interacting protein 2; minus strand), TRAF3IP2-AS1 (TRAF3IP2 antisense RNA 1; plus strand), LOC114803478 (TRAF3IP2 eExon liver enhancer; plus strand). Cytogenetic location: 6q21.
Variant type: single nucleotide variant.
Coding change: c.377C>A on transcript NM_147686.4 (MANE Select); coding-DNA position 377, C replaced by A.
Protein change: p.Pro126His; replaces proline 126 with histidine.
Molecular consequence: missense variant.
Genome position (GRCh38, 1-based): chr6:111,591,710, G>T on the plus strand (C>A on the coding strand, the complement: TRAF3IP2 is on the minus strand). VCF-style: chr6-111591710-G-T. GRCh37 (hg19) VCF-style: chr6-111912913-G-T.
Other names: c.377C>A, p.Pro126His (NM_001164281.3); c.404C>A, p.Pro135His (NM_147200.3); short protein forms P126H, P135H.
Identifiers: ClinVar variation 1986536 (VCV001986536.4), dbSNP rs778084382, ClinGen allele CA3963335.

ClinVar aggregate classification (germline): Uncertain significance (1 of 4 stars; one submission).

Conditions:
Candidiasis, familial, 8 (CANDF8). Identifiers: Orphanet 1334, MedGen C3714992, MONDO:0014230, OMIM 615527.

Allele frequency attached by ClinVar (database versions not stated): TOPMed below 0.00001; ExAC 0.00001.
gnomAD v4.1: 15 of 1,614,244 alleles (0.00093%); highest among the groups gnomAD compares: Non-Finnish European, 0.0012%; no homozygotes.

Submission:

Labcorp Genetics (formerly Invitae), Labcorp
Classification: Uncertain significance for Candidiasis, familial, 8. Last evaluated: 2024-10-21. Review status: criteria provided, single submitter. Criteria: Invitae Variant Classification Sherloc (09022015). Collection method: clinical testing. Allele origin: germline.
Comment: This sequence change replaces proline, which is neutral and non-polar, with histidine, which is basic and polar, at codon 126 of the TRAF3IP2 protein (p.Pro126His). This variant is present in population databases (rs778084382, gnomAD 0.0009%). This variant has not been reported in the literature in individuals affected with TRAF3IP2-related conditions. ClinVar contains an entry for this variant (Variation ID: 1986536). Invitae Evidence Modeling of protein sequence and biophysical properties (such as structural, functional, and spatial information, amino acid conservation, physicochemical variation, residue mobility, and thermodynamic stability) indicates that this missense variant is not expected to disrupt TRAF3IP2 protein function with a negative predictive value of 80%. In summary, the available evidence is currently insufficient to determine the role of this variant in disease. Therefore, it has been classified as a Variant of Uncertain Significance.